The following is an entry in ClinVar:

NM_002471.4(MYH6):c.1582-7C>T

Gene: MYH6 (myosin heavy chain 6; minus strand). Cytogenetic location: 14q11.2.
Variant type: single nucleotide variant.
Coding change: c.1582-7C>T on transcript NM_002471.4 (MANE Select); 7 bases into the intron before coding-DNA position 1582, C replaced by T.
Molecular consequence: intron variant.
Genome position (GRCh38, 1-based): chr14:23,399,044, G>A on the plus strand (C>T on the coding strand, the complement: MYH6 is on the minus strand). VCF-style: chr14-23399044-G-A. GRCh37 (hg19) VCF-style: chr14-23868253-G-A.
Identifiers: ClinVar variation 164244 (VCV000164244.16), dbSNP rs374941865, ClinGen allele CA176964.

ClinVar aggregate classification (germline): Conflicting classifications of pathogenicity. Review status: criteria provided, conflicting classifications (1 of 4 stars). 5 submissions from 5 submitters: Uncertain significance (1); Likely benign (4). Last evaluated 2025-12-18.

Conditions:
MYH6-related disorder. Also called: MYH6-Related Disorders; MYH6-related condition.
Hypertrophic cardiomyopathy 14. Identifiers: MedGen C2750467, MONDO:0013197, OMIM 613251.

Allele frequency attached by ClinVar (database versions not stated): ExAC 0.00003; gnomAD exomes 0.00003 and 0.00006; gnomAD 0.00005; TOPMed 0.00005; ESP Exome Variant Server 0.00008.

Submissions (5):

PreventionGenetics, part of Exact Sciences
Classification: Likely benign for MYH6-related condition. Last evaluated: 2025-12-18. Review status: criteria provided, single submitter. Criteria: ACMG Guidelines, 2015. Collection method: clinical testing. Allele origin: germline.
Comment: This variant is classified as likely benign based on ACMG/AMP sequence variant interpretation guidelines (Richards et al. 2015 PMID: 25741868, with internal and published modifications).

Labcorp Genetics (formerly Invitae), Labcorp
Classification: Likely benign for Hypertrophic cardiomyopathy 14. Last evaluated: 2023-04-06. Review status: criteria provided, single submitter. Criteria: Invitae Variant Classification Sherloc (09022015). Collection method: clinical testing. Allele origin: germline.

Blueprint Genetics
Classification: Likely benign. Last evaluated: 2022-05-10. Review status: criteria provided, single submitter. Criteria: ACMG Guidelines, 2015. Collection method: clinical testing. Allele origin: germline.

GeneDx
Classification: Likely benign. Last evaluated: 2021-11-11. Review status: criteria provided, single submitter. Criteria: GeneDx Variant Classification Process June 2021. Collection method: clinical testing. Allele origin: germline. Affected: yes.

Laboratory for Molecular Medicine, Mass General Brigham Personalized Medicine
Classification: Uncertain significance. Last evaluated: 2013-06-14. Review status: criteria provided, single submitter. Criteria: LMM Criteria. Collection method: clinical testing. Allele origin: germline. Observed: 1 variant allele.
Comment: The 1582-7C>T variant in MYH6 has not been reported in individuals with cardiomy opathy or in large population studies. This variant is located in the 3' splice region. Computational tools do not suggest an impact to splicing, though this in formation is not predictive enough to rule out pathogenicity. Additional informa tion is needed to fully assess the clinical significance of this variant.